The following is an entry in ClinVar:

NM_032638.5(GATA2):c.1024G>T (p.Ala342Ser)

Gene: GATA2 (GATA binding protein 2; minus strand). Cytogenetic location: 3q21.3.
Variant type: single nucleotide variant.
Coding change: c.1024G>T on transcript NM_032638.5 (MANE Select); coding-DNA position 1024, G replaced by T.
Protein change: p.Ala342Ser; replaces alanine 342 with serine.
Molecular consequence: missense variant. On other transcripts: intron variant (1).
Genome position (GRCh38, 1-based): chr3:128,481,938, C>A on the plus strand (G>T on the coding strand, the complement: GATA2 is on the minus strand). VCF-style: chr3-128481938-C-A. GRCh37 (hg19) VCF-style: chr3-128200781-C-A.
Other names: c.1024G>T, p.Ala342Ser (NM_001145661.2); c.1018-36G>T (NM_001145662.1); short protein forms A342S.
Identifiers: ClinVar variation 404067 (VCV000404067.11), dbSNP rs751285156, ClinGen allele CA16611241.

ClinVar aggregate classification (germline): Uncertain significance. Review status: criteria provided, multiple submitters, no conflicts (2 of 4 stars). 2 submissions from 2 submitters: Uncertain significance (2). Last evaluated 2025-01-27.

Conditions:
Inborn genetic diseases. Identifiers: MedGen C0950123, MeSH D030342.
Deafness-lymphedema-leukemia syndrome. Also called: Lymphedema, primary, with myelodysplasia; Emberger syndrome. Identifiers: Orphanet 3226, MedGen C3279664, MONDO:0013540, OMIM 614038.
Monocytopenia with susceptibility to infections. Also called: MONOCYTOPENIA AND MYCOBACTERIAL INFECTION SYNDROME; MONOCYTOPENIA WITH SUSCEPTIBILITY TO MYCOBACTERIAL, FUNGAL, AND PAPILLOMAVIRUS INFECTIONS AND MYELODYSPLASIA; COMBINED IMMUNODEFICIENCY WITH SUSCEPTIBILITY TO MYCOBACTERIAL, VIRAL, AND FUNGAL INFECTIONS; Dendritic cell, monocyte, B lymphocyte, and natural killer lymphocyte deficiency; IMMUNODEFICIENCY 21; GATA2 DEFICIENCY. Identifiers: Orphanet 228423, MedGen C3280030, MONDO:0013607, OMIM 614172.

Allele frequency attached by ClinVar (database versions not stated): TOPMed 0.00001.
gnomAD v4.1: 3 of 1,613,364 alleles (0.00019%); highest among the groups gnomAD compares: African/African-American, 0.0013%; no homozygotes.

Submissions (2):

Ambry Genetics
Classification: Uncertain significance for Inborn genetic diseases. Last evaluated: 2025-01-27. Review status: criteria provided, single submitter. Criteria: Ambry Variant Classification Scheme 2023. Collection method: clinical testing. Allele origin: germline.
Comment: The p.A342S variant (also known as c.1024G>T), located in coding exon 4 of the GATA2 gene, results from a G to T substitution at nucleotide position 1024. The alanine at codon 342 is replaced by serine, an amino acid with similar properties. This amino acid position is highly conserved in available vertebrate species. In addition, the in silico prediction for this alteration is inconclusive. Based on the available evidence, the clinical significance of this variant remains unclear.

Labcorp Genetics (formerly Invitae), Labcorp
Classification: Uncertain significance for Monocytopenia with susceptibility to infections; Deafness-lymphedema-leukemia syndrome. Last evaluated: 2023-09-25. Review status: criteria provided, single submitter. Criteria: Invitae Variant Classification Sherloc (09022015). Collection method: clinical testing. Allele origin: germline.
Comment: This sequence change replaces alanine, which is neutral and non-polar, with serine, which is neutral and polar, at codon 342 of the GATA2 protein (p.Ala342Ser). In summary, the available evidence is currently insufficient to determine the role of this variant in disease. Therefore, it has been classified as a Variant of Uncertain Significance. Advanced modeling of protein sequence and biophysical properties (such as structural, functional, and spatial information, amino acid conservation, physicochemical variation, residue mobility, and thermodynamic stability) has been performed at Invitae for this missense variant, however the output from this modeling did not meet the statistical confidence thresholds required to predict the impact of this variant on GATA2 protein function. ClinVar contains an entry for this variant (Variation ID: 404067). This variant has not been reported in the literature in individuals affected with GATA2-related conditions. This variant is not present in population databases (gnomAD no frequency).